The following is an entry in ClinVar:

NM_000222.3(KIT):c.1883G>A (p.Ser628Asn)

Gene: KIT (KIT proto-oncogene, receptor tyrosine kinase; plus strand). Cytogenetic location: 4q12.
Variant type: single nucleotide variant.
Coding change: c.1883G>A on transcript NM_000222.3 (MANE Select); coding-DNA position 1883, G replaced by A.
Protein change: p.Ser628Asn; replaces serine 628 with asparagine.
Molecular consequence: missense variant.
Genome position (GRCh38, 1-based): chr4:54,728,014, G>A. VCF-style: chr4-54728014-G-A. GRCh37 (hg19) VCF-style: chr4-55594180-G-A.
Other names: c.1871G>A, p.Ser624Asn (NM_001093772.2, NM_001385286.1); c.1886G>A, p.Ser629Asn (NM_001385284.1, NM_001385290.1); c.1883G>A, p.Ser628Asn (NM_001385285.1); c.1874G>A, p.Ser625Asn (NM_001385288.1, NM_001385292.1); c.1883G>A (NM_000222.2); short protein forms S629N, S625N, S624N, S628N.
Identifiers: ClinVar variation 1476233 (VCV001476233.8), dbSNP rs2109781181, ClinGen allele CA356908374.
Genomic context (GRCh38, chr4:54,728,014, plus strand): 5'-GCTTGACATCAGTTTGCCAGTTGTGCTTTTTGCTAAAATGCATGTTTCCAATTTTAGCGA[G>A]TGCCCATTTGACAGAACGGGAAGCCCTCATGTCTGAACTCAAAGTCCTGAGTTACCTTGG-3'
Protein context (NP_000213.1, residues 618-638): MTVAVKMLKP[Ser628Asn]AHLTEREALM

ClinVar aggregate classification (germline): Uncertain significance. Review status: criteria provided, multiple submitters, no conflicts (2 of 4 stars). 2 submissions from 2 submitters: Uncertain significance (2). Last evaluated 2025-06-15.

Conditions:
Hereditary cancer-predisposing syndrome. Also called: Hereditary neoplastic syndrome; Tumor predisposition; Hereditary Cancer Syndrome; Neoplastic Syndromes, Hereditary. Identifiers: Orphanet 140162, MedGen C0027672, MeSH D009386, MONDO:0015356.
Gastrointestinal stromal tumor. Also called: Gastrointestinal stroma tumor; Gastrointestinal stromal tumor, somatic. Identifiers: Orphanet 44890, MedGen C0238198, MeSH D046152, MONDO:0011719, OMIM 606764, HP:0100723.

Submissions (2):

Labcorp Genetics (formerly Invitae), Labcorp
Classification: Uncertain significance for Gastrointestinal stromal tumor. Last evaluated: 2025-06-15. Review status: criteria provided, single submitter. Criteria: Invitae Variant Classification Sherloc (09022015). Collection method: clinical testing. Allele origin: germline.
Comment: This sequence change replaces serine, which is neutral and polar, with asparagine, which is neutral and polar, at codon 628 of the KIT protein (p.Ser628Asn). This variant is not present in population databases (gnomAD no frequency). This variant has not been reported in the literature in individuals affected with KIT-related conditions. ClinVar contains an entry for this variant (Variation ID: 1476233). An algorithm developed to predict the effect of missense changes on protein structure and function (PolyPhen-2) suggests that this variant is likely to be disruptive. In summary, the available evidence is currently insufficient to determine the role of this variant in disease. Therefore, it has been classified as a Variant of Uncertain Significance.

Ambry Genetics
Classification: Uncertain significance for Hereditary cancer-predisposing syndrome. Last evaluated: 2023-06-15. Review status: criteria provided, single submitter. Criteria: Ambry Variant Classification Scheme 2023. Collection method: clinical testing. Allele origin: germline.
Comment: The p.S628N variant (also known as c.1883G>A), located in coding exon 13 of the KIT gene, results from a G to A substitution at nucleotide position 1883. The serine at codon 628 is replaced by asparagine, an amino acid with highly similar properties. This amino acid position is well conserved in available vertebrate species. In addition, this alteration is predicted to be tolerated by in silico analysis. Since supporting evidence is limited at this time, the clinical significance of this alteration remains unclear.